The following is an entry in ClinVar:

ClinVar aggregate classification (germline): Uncertain significance (1 of 4 stars; one submission).

Allele frequency attached by ClinVar (database versions not stated): TOPMed below 0.00001; gnomAD exomes 0.00001.
gnomAD v4.1: 8 of 1,613,784 alleles (0.0005%); highest among the groups gnomAD compares: Non-Finnish European, 0.00068%; no homozygotes.

Submission:

Women's Health and Genetics/Laboratory Corporation of America, LabCorp
Classification: Uncertain significance. Last evaluated: 2024-01-25. Review status: criteria provided, single submitter. Criteria: LabCorp Variant Classification Summary - May 2015. Collection method: clinical testing. Allele origin: germline.
Comment: Variant summary: DIAPH3 c.1885A>T (p.Ile629Phe) results in a non-conservative amino acid change in the encoded protein sequence. Four of five in-silico tools predict a benign effect of the variant on protein function. The variant was absent in 249158 control chromosomes. The available data on variant occurrences in the general population are insufficient to allow any conclusion about variant significance. To our knowledge, no occurrence of c.1885A>T in individuals affected with Autosomal Dominant Auditory Neuropathy 1 and no experimental evidence demonstrating its impact on protein function have been reported. No submitters have cited clinical-significance assessments for this variant to ClinVar. Based on the evidence outlined above, the variant was classified as uncertain significance.

NM_001042517.2(DIAPH3):c.1885A>T (p.Ile629Phe)

Gene: DIAPH3 (diaphanous related formin 3; minus strand). Cytogenetic location: 13q21.2.
Variant type: single nucleotide variant.
Coding change: c.1885A>T on transcript NM_001042517.2 (MANE Select); coding-DNA position 1885, A replaced by T.
Protein change: p.Ile629Phe; replaces isoleucine 629 with phenylalanine.
Molecular consequence: missense variant.
Genome position (GRCh38, 1-based): chr13:59,970,926, T>A on the plus strand (A>T on the coding strand, the complement: DIAPH3 is on the minus strand). VCF-style: chr13-59970926-T-A. GRCh37 (hg19) VCF-style: chr13-60545060-T-A.
Other names: c.1852A>T, p.Ile618Phe (NM_001258366.2); c.1747A>T, p.Ile583Phe (NM_001258367.2); c.1675A>T, p.Ile559Phe (NM_001258368.2); c.1885A>T, p.Ile629Phe (NM_001258369.2); c.1096A>T, p.Ile366Phe (NM_001258370.2, NM_030932.4); short protein forms I366F, I559F, I583F, I618F, I629F.
Identifiers: ClinVar variation 3063671 (VCV003063671.1), dbSNP rs2050328583, ClinGen allele CA388331187.
Genomic context (GRCh38, chr13:59,970,926, plus strand): 5'-ATCTTCTCATGCTGATTTCAGGTTTAAATTCTTTCTTTGGTTTCAACCCAAATGGCAGGA[T>A]TGGTAGAGGAGGAGAATTTTGTCCTCCAAGGAATCCCAGGGGAGGTGGTGGAGGCACAGG-3'
Protein context (NP_001035982.1, residues 619-639): LGGQNSPPLP[Ile629Phe]LPFGLKPKKE